The following is an entry in ClinVar:

NM_000179.3(MSH6):c.181_183del (p.Ala61del)

Gene: MSH6 (mutS homolog 6; plus strand). Cytogenetic location: 2p16.3.
Variant type: Deletion.
Coding change: c.181_183del on transcript NM_000179.3 (MANE Select); coding-DNA positions 181 to 183, 3 bases deleted (GCG; older notation c.181_183delGCG).
Protein change: p.Ala61del; deletes alanine 61.
Molecular consequence: inframe deletion. On other transcripts: 5 prime UTR variant (7), inframe indel (1), non-coding transcript variant (5), intron variant (5).
Genome position (GRCh38, 1-based): chr2:47,783,414-47,783,416, GCG deleted; deleting any 3 consecutive bases within chr2:47,783,413-47,783,416 gives the same sequence; the c. name uses the placement nearest the transcript's 3' end. VCF-style (leftmost placement, unchanged base first): chr2-47783412-TGGC-T. GRCh37 (hg19) VCF-style: chr2-48010551-TGGC-T.
Other names: c.181_183del, p.Ala61del (NM_001281492.2, NM_001406795.1, NM_001406796.1 and 9 more transcripts); c.-556_-554del (NM_001281493.2, NM_001406811.1); c.-148_-146del (NM_001406799.1); c.126_128del, p.Trp42_Arg43delinsCys (NM_001406804.1); c.-748_-746del (NM_001406807.1); c.-403_-401del (NM_001406812.1); c.-814_-812del (NM_001406814.1); c.-359_-357del (NM_001406816.1); and 3 more; short protein forms A61del.
Identifiers: ClinVar variation 3875089 (VCV003875089.1).
Genomic context (GRCh38, chr2:47,783,412, plus strand): 5'-CCTCTCCTTCCCCAGGCGGGGATGCGGCCTGGAGCGAGGCTGGGCCTGGGCCCAGGCCCT[TGGC>T]GCGCTCCGCGTCACCGCCCAAGGCGAAGAACCTCAACGGAGGGCTGCGGAGATCGGTAGC-3'

ClinVar aggregate classification (germline): Uncertain significance (1 of 4 stars; one submission).

Conditions:
Hereditary cancer-predisposing syndrome. Also called: Tumor predisposition; Neoplastic Syndromes, Hereditary; Hereditary Cancer Syndrome; Hereditary neoplastic syndrome. Identifiers: Orphanet 140162, MedGen C0027672, MeSH D009386, MONDO:0015356.

Submission:

Ambry Genetics
Classification: Uncertain significance for Hereditary cancer-predisposing syndrome. Last evaluated: 2025-02-25. Review status: criteria provided, single submitter. Criteria: Ambry Variant Classification Scheme 2023. Collection method: clinical testing. Allele origin: germline.
Comment: The c.181_183delGCG variant (also known as p.A61del) is located in coding exon 1 of the MSH6 gene. This variant results from an in-frame GCG deletion at nucleotide positions 181 to 183. This results in the in-frame deletion of an alanine at codon 61. This amino acid position is not well conserved in available vertebrate species. In addition, this alteration is predicted to be neutral by in silico analysis (Choi Y et al. PLoS ONE. 2012; 7(10):e46688). Based on the available evidence, the clinical significance of this variant remains unclear.